The following is an entry in ClinVar:

NM_015338.6(ASXL1):c.934T>C (p.Phe312Leu)

Gene: ASXL1 (ASXL transcriptional regulator 1; plus strand). Cytogenetic location: 20q11.21.
Variant type: single nucleotide variant.
Coding change: c.934T>C on transcript NM_015338.6 (MANE Select); coding-DNA position 934, T replaced by C.
Protein change: p.Phe312Leu; replaces phenylalanine 312 with leucine.
Molecular consequence: missense variant.
Genome position (GRCh38, 1-based): chr20:32,431,634, T>C. VCF-style: chr20-32431634-T-C. GRCh37 (hg19) VCF-style: chr20-31019437-T-C.
Other names: c.751T>C, p.Phe251Leu (NM_001363734.1); short protein forms F251L, F312L.
Identifiers: ClinVar variation 3955263 (VCV003955263.1).

ClinVar aggregate classification (germline): Uncertain significance (1 of 4 stars; one submission).

Conditions:
Inborn genetic diseases. Identifiers: MedGen C0950123, MeSH D030342.

gnomAD v4.1: 2 of 1,613,534 alleles (0.00012%); highest among the groups gnomAD compares: Non-Finnish European, 0.000085%; no homozygotes.

Submission:

Ambry Genetics
Classification: Uncertain significance for Inborn genetic diseases. Last evaluated: 2025-03-27. Review status: criteria provided, single submitter. Criteria: Ambry Variant Classification Scheme 2023. Collection method: clinical testing. Allele origin: germline.
Comment: The p.F312L variant (also known as c.934T>C), located in coding exon 10 of the ASXL1 gene, results from a T to C substitution at nucleotide position 934. The phenylalanine at codon 312 is replaced by leucine, an amino acid with highly similar properties. This amino acid position is conserved. In addition, this alteration is predicted to be deleterious by in silico analysis. Based on the available evidence, the clinical significance of this variant remains unclear.